The following is an entry in ClinVar:

NM_173551.5(ANKS6):c.2511+6G>A

Gene: ANKS6 (ankyrin repeat and sterile alpha motif domain containing 6; minus strand). Cytogenetic location: 9q22.33.
Variant type: single nucleotide variant.
Coding change: c.2511+6G>A on transcript NM_173551.5 (MANE Select); 6 bases into the intron after coding-DNA position 2511, G replaced by A.
Molecular consequence: intron variant.
Genome position (GRCh38, 1-based): chr9:98,745,553, C>T on the plus strand (G>A on the coding strand, the complement: ANKS6 is on the minus strand). VCF-style: chr9-98745553-C-T. GRCh37 (hg19) VCF-style: chr9-101507835-C-T.
Identifiers: ClinVar variation 3127028 (VCV003127028.1), dbSNP rs377548307, ClinGen allele CA5153126.

ClinVar aggregate classification (germline): Uncertain significance (1 of 4 stars; one submission).

Conditions:
Inborn genetic diseases. Identifiers: MedGen C0950123, MeSH D030342.

Allele frequency attached by ClinVar (database versions not stated): gnomAD exomes 0.00003; gnomAD 0.00005; ExAC 0.00008; TOPMed 0.00012; ESP Exome Variant Server 0.00016.
gnomAD v4.1: 66 of 1,608,310 alleles (0.0041%); highest among the groups gnomAD compares: East Asian, 0.042%; no homozygotes.

Submission:

Ambry Genetics
Classification: Uncertain significance for Inborn genetic diseases. Last evaluated: 2023-10-17. Review status: criteria provided, single submitter. Criteria: Ambry Variant Classification Scheme 2023. Collection method: clinical testing. Allele origin: germline.
Comment: The c.2511+6G>A intronic alteration consists of a G to A substitution nucleotides after coding exon 14 in the ANKS6 gene. Based on insufficient or conflicting evidence, the clinical significance of this alteration remains unclear.